The following is an entry in ClinVar:

ClinVar aggregate classification (germline): Likely pathogenic (1 of 4 stars; one submission).

Conditions:
Neurodegeneration with brain iron accumulation 5 (NBIA5). Also called: STATIC ENCEPHALOPATHY OF CHILDHOOD WITH NEURODEGENERATION IN ADULTHOOD; Beta-propeller protein-associated neurodegeneration. Identifiers: Orphanet 329284, MedGen C3550973, MONDO:0010476, OMIM 300894.

Submission:

National Institute of Neuroscience, National Center of Neurology and Psychiatry
Classification: Likely pathogenic for Neurodegeneration with brain iron accumulation 5. Last evaluated: 2024-02-09. Review status: criteria provided, single submitter. Criteria: ACMG Guidelines, 2015. Collection method: research. Allele origin: de novo. Affected: yes.
Comment: PS2, PM2, PM4

NM_001029896.2(WDR45):c.1048del (p.Val350fs)

Gene: WDR45 (WD repeat domain 45; minus strand). Cytogenetic location: Xp11.23.
Variant type: Deletion.
Coding change: c.1048del on transcript NM_001029896.2 (MANE Select); coding-DNA position 1048, one base deleted (G; older notation c.1048delG).
Protein change: p.Val350fs; shifts the reading frame from valine 350.
Molecular consequence: frameshift variant.
Genome position (GRCh38, 1-based): chrX:49,074,838, C deleted on the plus strand (G on the coding strand, the reverse complement: WDR45 is on the minus strand). VCF-style (leftmost placement, unchanged base first): chrX-49074837-AC-A. GRCh37 (hg19) VCF-style: chrX-48932496-AC-A.
Other names: c.1051delG (NM_007075.4); c.1051del, p.Val351fs (NM_007075.4); short protein forms V350fs, V351fs.
Identifiers: ClinVar variation 3028894 (VCV003028894.2).